The following is an entry in ClinVar:

ClinVar aggregate classification (germline): Pathogenic. Review status: reviewed by expert panel (3 of 4 stars). 2 submissions from 2 submitters: Pathogenic (1). 1 of the submissions does not count toward it. Last evaluated 2025-06-30.

Conditions:
RPE65-related recessive retinopathy. Also called: Recessive RPE65 retinopathy. Identifiers: MedGen CN305526, MONDO:0100368.
Leber congenital amaurosis 2 (LCA2). Also called: Autosomal Recessive RPE65-Related Retinal Degeneration; AMAUROSIS CONGENITA OF LEBER II. Identifiers: Orphanet 65, MedGen C1859844, MONDO:0008765, OMIM 204100. Disease mechanism: loss of function.

Submissions (2):

ClinGen Leber Congenital Amaurosis/early Onset Retinal Dystrophy Variant Curation Expert Panel, ClinGen
Classification: Pathogenic for RPE65-related recessive retinopathy. Last evaluated: 2025-06-30. Review status: reviewed by expert panel. Criteria: ClinGen LCAeoRD ACMG Specifications RPE65 V1.0.0. Collection method: curation. Allele origin: germline. Inheritance: Autosomal recessive inheritance.
Comment: NM_000329.3(RPE65):c.444_445del (p.Glu148AspfsTer8) is a frameshift variant that introduces a premature stop codon into exon 5 of 14, and is predicted to lead to nonsense-mediated decay in a gene in which loss-of-function is an established mechanism of disease (PVS1). This variant is absent from gnomAD v4.1.0 (PM2_Supporting). This variant has been reported in at least 1 proband with early-onset severe retinal dystrophy who was compound heterozygous with the NM_000329.3(RPE65):c.1102T>C (p.Tyr368His) variant confirmed in trans, which was previously classified as pathogenic by the ClinGen LCA / eoRD VCEP (1 point, VCEP member-provided data, PM3). In summary, this variant meets the criteria to be classified as pathogenic for RPE65-related recessive retinopathy based on the ACMG/AMP criteria applied, as specified by the ClinGen LCA/eoRD VCEP: PVS1, PM2_Supporting, and PM3. (VCEP specifications version 1.0.0; date of approval 09/21/2023).

Laboratory of Genetics in Ophthalmology, Institut Imagine
Classification: Pathogenic for Leber congenital amaurosis 2. Review status: no assertion criteria provided. Collection method: research. Allele origin: inherited. Affected: yes. Observed: 1 variant allele. Not counted in ClinVar's aggregate classification.

NM_000329.3(RPE65):c.444_445del (p.Glu148fs)

Gene: RPE65 (retinoid isomerohydrolase RPE65; minus strand). Cytogenetic location: 1p31.3.
Variant type: Microsatellite.
Coding change: c.444_445del on transcript NM_000329.3 (MANE Select); coding-DNA positions 444 to 445, 2 bases deleted (GA; older notation c.444_445delGA).
Protein change: p.Glu148fs; shifts the reading frame from glutamic acid 148.
Molecular consequence: frameshift variant.
Genome position (GRCh38, 1-based): chr1:68,444,581-68,444,582, TC deleted on the plus strand (GA on the coding strand, the reverse complement: RPE65 is on the minus strand); deleting any 2 consecutive bases within chr1:68,444,581-68,444,585 gives the same sequence; the c. name uses the placement nearest the transcript's 3' end. VCF-style (leftmost placement, unchanged base first): chr1-68444580-GTC-G. GRCh37 (hg19) VCF-style: chr1-68910263-GTC-G.
Other names: NM_000329.3(RPE65):c.444_445del; p.Glu148fs; short protein forms E148fs.
Identifiers: ClinVar variation 973966 (VCV000973966.2), dbSNP rs1645927790, ClinGen allele CA1173563400.